The following is an entry in ClinVar:

NM_001164665.2(KIAA1549):c.2312C>T (p.Pro771Leu)

Gene: KIAA1549 (KIAA1549; minus strand). Cytogenetic location: 7q34.
Variant type: single nucleotide variant.
Coding change: c.2312C>T on transcript NM_001164665.2 (MANE Select); coding-DNA position 2312, C replaced by T.
Protein change: p.Pro771Leu; replaces proline 771 with leucine.
Molecular consequence: missense variant.
Genome position (GRCh38, 1-based): chr7:138,917,314, G>A on the plus strand (C>T on the coding strand, the complement: KIAA1549 is on the minus strand). VCF-style: chr7-138917314-G-A. GRCh37 (hg19) VCF-style: chr7-138602060-G-A.
Other names: c.2312C>T, p.Pro771Leu (NM_020910.3); short protein forms P771L.
Identifiers: ClinVar variation 2084850 (VCV002084850.4), dbSNP rs772399364, ClinGen allele CA369393116.

ClinVar aggregate classification (germline): Uncertain significance (1 of 4 stars; one submission).

Submission:

Labcorp Genetics (formerly Invitae), Labcorp
Classification: Uncertain significance. Last evaluated: 2022-07-12. Review status: criteria provided, single submitter. Criteria: Invitae Variant Classification Sherloc (09022015). Collection method: clinical testing. Allele origin: germline.
Comment: This variant has not been reported in the literature in individuals affected with KIAA1549-related conditions. This variant is not present in population databases (gnomAD no frequency). This sequence change replaces proline, which is neutral and non-polar, with leucine, which is neutral and non-polar, at codon 771 of the KIAA1549 protein (p.Pro771Leu). In summary, the available evidence is currently insufficient to determine the role of this variant in disease. Therefore, it has been classified as a Variant of Uncertain Significance. Algorithms developed to predict the effect of missense changes on protein structure and function (SIFT, PolyPhen-2, Align-GVGD) all suggest that this variant is likely to be tolerated.